The following is an entry in ClinVar:

ClinVar aggregate classification (germline): Uncertain significance (1 of 4 stars; one submission).

Allele frequency attached by ClinVar (database versions not stated): gnomAD 0.00001.
gnomAD v4.1: 10 of 1,614,052 alleles (0.00062%); highest among the groups gnomAD compares: Non-Finnish European, 0.00085%; no homozygotes.

Submission:

Labcorp Genetics (formerly Invitae), Labcorp
Classification: Uncertain significance. Last evaluated: 2024-07-15. Review status: criteria provided, single submitter. Criteria: Invitae Variant Classification Sherloc (09022015). Collection method: clinical testing. Allele origin: germline.
Comment: This sequence change replaces serine, which is neutral and polar, with cysteine, which is neutral and slightly polar, at codon 116 of the MCM5 protein (p.Ser116Cys). This variant is not present in population databases (gnomAD no frequency). This variant has not been reported in the literature in individuals affected with MCM5-related conditions. ClinVar contains an entry for this variant (Variation ID: 1906734). Advanced modeling of protein sequence and biophysical properties (such as structural, functional, and spatial information, amino acid conservation, physicochemical variation, residue mobility, and thermodynamic stability) performed at Invitae indicates that this missense variant is not expected to disrupt MCM5 protein function with a negative predictive value of 80%. In summary, the available evidence is currently insufficient to determine the role of this variant in disease. Therefore, it has been classified as a Variant of Uncertain Significance.

NM_006739.4(MCM5):c.347C>G (p.Ser116Cys)

Gene: MCM5 (minichromosome maintenance complex component 5; plus strand). Cytogenetic location: 22q12.3.
Variant type: single nucleotide variant.
Coding change: c.347C>G on transcript NM_006739.4 (MANE Select); coding-DNA position 347, C replaced by G.
Protein change: p.Ser116Cys; replaces serine 116 with cysteine.
Molecular consequence: missense variant.
Genome position (GRCh38, 1-based): chr22:35,403,466, C>G. VCF-style: chr22-35403466-C-G. GRCh37 (hg19) VCF-style: chr22-35799459-C-G.
Other names: short protein forms S116C.
Identifiers: ClinVar variation 1906734 (VCV001906734.5), dbSNP rs777273291, ClinGen allele CA323539257.
Genomic context (GRCh38, chr22:35,403,466, plus strand): 5'-TTCTCCAGCTGGAGGAAGCTGCCAAGGAGGTAGCTGATGAGGTGACCCGGCCCCGGCCTT[C>G]TGGGGAGGAGGTGCTCCAGGACATCCAGGTCATGCTCAAGTCGGACGCCAGCCCTTCCAG-3'
Protein context (NP_006730.2, residues 106-126): VADEVTRPRP[Ser116Cys]GEEVLQDIQV